The following is an entry in ClinVar:

ClinVar aggregate classification (germline): Likely benign. Review status: criteria provided, multiple submitters, no conflicts (2 of 4 stars). 3 submissions from 3 submitters: Likely benign (3). Last evaluated 2026-08-01.

Conditions:
Pyogenic arthritis-pyoderma gangrenosum-acne syndrome (PAPA). Also called: FAMILIAL RECURRENT ARTHRITIS; PAPA SYNDROME. Identifiers: Orphanet 69126, MedGen C1858361, MONDO:0011462, OMIM 604416.

Allele frequency attached by ClinVar (database versions not stated): gnomAD 0.00001; gnomAD exomes 0.00001; TOPMed 0.00001.
gnomAD v4.1: 46 of 1,592,552 alleles (0.0029%); highest among the groups gnomAD compares: South Asian, 0.0057%; no homozygotes.

Submissions (3):

CeGaT Center for Human Genetics Tuebingen
Classification: Likely benign. Last evaluated: 2026-08-01. Review status: criteria provided, single submitter. Criteria: CeGaT Center For Human Genetics Tuebingen Variant Classification Criteria Version 2. Collection method: clinical testing. Allele origin: germline. Affected: yes. Observed: 1 variant allele.
Comment: PSTPIP1: BP4, BP7

Labcorp Genetics (formerly Invitae), Labcorp
Classification: Likely benign for Pyogenic arthritis-pyoderma gangrenosum-acne syndrome. Last evaluated: 2024-10-30. Review status: criteria provided, single submitter. Criteria: Invitae Variant Classification Sherloc (09022015). Collection method: clinical testing. Allele origin: germline.

Blueprint Genetics
Classification: Likely benign. Last evaluated: 2021-09-09. Review status: criteria provided, single submitter. Criteria: ACMG Guidelines, 2015. Collection method: clinical testing. Allele origin: germline.

NM_003978.5(PSTPIP1):c.948C>T (p.His316=)

Gene: PSTPIP1 (proline-serine-threonine phosphatase interacting protein 1; plus strand). Cytogenetic location: 15q24.3.
Variant type: single nucleotide variant.
Coding change: c.948C>T on transcript NM_003978.5 (MANE Select); coding-DNA position 948, C replaced by T.
Protein change: p.His316=; no amino-acid change (histidine 316 retained).
Molecular consequence: synonymous variant. On other transcripts: non-coding transcript variant (1).
Genome position (GRCh38, 1-based): chr15:77,035,526, C>T. VCF-style: chr15-77035526-C-T. GRCh37 (hg19) VCF-style: chr15-77327867-C-T.
Other names: c.891C>T, p.His297= (NM_001321135.2); c.921C>T, p.His307= (NM_001321136.2); c.1143C>T, p.His381= (NM_001321137.1).
Identifiers: ClinVar variation 705797 (VCV000705797.11), dbSNP rs1386946850, ClinGen allele CA491336050.
Genomic context (GRCh38, chr15:77,035,526, plus strand): 5'-TGTGGGGCGGGGACACTCACCCTCTTTCCTCCCTGTTCCCAGGTTCTCTGGACTGCTGCA[C>T]GGAAGTCCCAAGACCACTTCGTTGGCAGCTTCTGCTGGTAAAGGGGGTCAGGAGGGGACC-3'
Protein context (NP_003969.2, residues 306-326): GMIKRFSGLL[His316=]GSPKTTSLAA